The following is an entry in ClinVar:

NM_022726.4(ELOVL4):c.226C>T (p.Arg76Cys)

Gene: ELOVL4 (ELOVL fatty acid elongase 4; minus strand). Cytogenetic location: 6q14.1.
Variant type: single nucleotide variant.
Coding change: c.226C>T on transcript NM_022726.4 (MANE Select); coding-DNA position 226, C replaced by T.
Protein change: p.Arg76Cys; replaces arginine 76 with cysteine.
Molecular consequence: missense variant.
Genome position (GRCh38, 1-based): chr6:79,926,256, G>A on the plus strand (C>T on the coding strand, the complement: ELOVL4 is on the minus strand). VCF-style: chr6-79926256-G-A. GRCh37 (hg19) VCF-style: chr6-80635973-G-A.
Other names: short protein forms R76C.
Identifiers: ClinVar variation 936456 (VCV000936456.9), dbSNP rs371760799, ClinGen allele CA142271564.
Genomic context (GRCh38, chr6:79,926,256, plus strand): 5'-CTCTGAAGATAAAGAGGTTAAGCAAAACCATCCCAAAATTATAGATAATGAGCACTAGAC[G>A]CATCTGAAAAGGTTCTCGGTCCTTCATCCATTTTGGACCCAGCCACACAAACAGGAGATA-3'
Protein context (NP_073563.1, residues 66-86): WMKDREPFQM[Arg76Cys]LVLIIYNFGM

ClinVar aggregate classification (germline): Uncertain significance. Review status: criteria provided, multiple submitters, no conflicts (2 of 4 stars). 3 submissions from 3 submitters: Uncertain significance (3). Last evaluated 2025-03-07.

Conditions:
Spinocerebellar ataxia type 34 (SCA34). Identifiers: Orphanet 1955, MedGen C1851481, MONDO:0007574, OMIM 133190.
Ichthyosis, spastic quadriplegia, and impaired intellectual development. Also called: Congenital ichthyosis-intellectual disability-spastic quadriplegia syndrome. Identifiers: Orphanet 352333, MedGen C3280856, MONDO:0013760, OMIM 614457.
Stargardt disease 3. Also called: MACULAR DYSTROPHY WITH FLECKS, TYPE 3; STARGARDT-LIKE MACULAR DYSTROPHY, AUTOSOMAL DOMINANT. Identifiers: Orphanet 827, MedGen C1838644, MONDO:0010819, OMIM 600110.

Allele frequency attached by ClinVar (database versions not stated): ESP Exome Variant Server 0.00008.
gnomAD v4.1: 79 of 1,613,746 alleles (0.0049%); highest among the groups gnomAD compares: Non-Finnish European, 0.0063%; 1 homozygote.

Submissions (3):

Labcorp Genetics (formerly Invitae), Labcorp
Classification: Uncertain significance. Last evaluated: 2025-03-07. Review status: criteria provided, single submitter. Criteria: Invitae Variant Classification Sherloc (09022015). Collection method: clinical testing. Allele origin: germline.
Comment: This sequence change replaces arginine, which is basic and polar, with cysteine, which is neutral and slightly polar, at codon 76 of the ELOVL4 protein (p.Arg76Cys). This variant is present in population databases (rs371760799, gnomAD 0.004%). This variant has not been reported in the literature in individuals affected with ELOVL4-related conditions. ClinVar contains an entry for this variant (Variation ID: 936456). Invitae Evidence Modeling of protein sequence and biophysical properties (such as structural, functional, and spatial information, amino acid conservation, physicochemical variation, residue mobility, and thermodynamic stability) indicates that this missense variant is expected to disrupt ELOVL4 protein function with a positive predictive value of 80%. In summary, the available evidence is currently insufficient to determine the role of this variant in disease. Therefore, it has been classified as a Variant of Uncertain Significance.

Fulgent Genetics
Classification: Uncertain significance for Spinocerebellar ataxia type 34; Stargardt disease 3; Ichthyosis, spastic quadriplegia, and impaired intellectual development. Last evaluated: 2024-03-12. Review status: criteria provided, single submitter. Criteria: ACMG Guidelines, 2015. Collection method: clinical testing. Allele origin: germline.

Blueprint Genetics
Classification: Uncertain significance. Last evaluated: 2021-08-11. Review status: criteria provided, single submitter. Criteria: ACMG Guidelines, 2015. Collection method: clinical testing. Allele origin: germline.